The following is an entry in ClinVar:

ClinVar aggregate classification (germline): Uncertain significance (1 of 4 stars; one submission).

Allele frequency attached by ClinVar (database versions not stated): ExAC 0.00001; gnomAD exomes 0.00002 and below 0.00001; ESP Exome Variant Server 0.00008.
gnomAD v4.1: 24 of 1,613,494 alleles (0.0015%); highest among the groups gnomAD compares: Non-Finnish European, 0.002%; no homozygotes.

Submission:

Labcorp Genetics (formerly Invitae), Labcorp
Classification: Uncertain significance. Last evaluated: 2023-11-27. Review status: criteria provided, single submitter. Criteria: Invitae Variant Classification Sherloc (09022015). Collection method: clinical testing. Allele origin: germline.
Comment: This sequence change replaces cysteine, which is neutral and slightly polar, with glycine, which is neutral and non-polar, at codon 369 of the EPS8L2 protein (p.Cys369Gly). This variant is present in population databases (rs373172978, gnomAD 0.0009%). This variant has not been reported in the literature in individuals affected with EPS8L2-related conditions. ClinVar contains an entry for this variant (Variation ID: 1473943). An algorithm developed to predict the effect of missense changes on protein structure and function (PolyPhen-2) suggests that this variant is likely to be tolerated. In summary, the available evidence is currently insufficient to determine the role of this variant in disease. Therefore, it has been classified as a Variant of Uncertain Significance.

NM_022772.4(EPS8L2):c.1105T>G (p.Cys369Gly)

Gene: EPS8L2 (EPS8 signaling adaptor L2; plus strand). Cytogenetic location: 11p15.5.
Variant type: single nucleotide variant.
Coding change: c.1105T>G on transcript NM_022772.4 (MANE Select); coding-DNA position 1105, T replaced by G.
Protein change: p.Cys369Gly; replaces cysteine 369 with glycine.
Molecular consequence: missense variant.
Genome position (GRCh38, 1-based): chr11:722,446, T>G. VCF-style: chr11-722446-T-G. GRCh37 (hg19) VCF-style: chr11-722446-T-G.
Other names: short protein forms C369G.
Identifiers: ClinVar variation 1473943 (VCV001473943.8), dbSNP rs373172978, ClinGen allele CA5787506.
Genomic context (GRCh38, chr11:722,446, plus strand): 5'-CTCACTGTGCCCCAGATCGTCAACACCTGCAGTGGCCCAGACATCGCACGCTCCGTCTCC[T>G]GCCCACTGCTCTCCCGAGATGCCGTGGACTTCCTGCGCGGCCACCTGGTCCCTAAGGAGA-3'
Protein context (NP_073609.2, residues 359-379): SGPDIARSVS[Cys369Gly]PLLSRDAVDF